The following is an entry in ClinVar:

NM_000236.3(LIPC):c.959G>T (p.Arg320Leu)

Gene: LIPC (lipase C, hepatic type; plus strand). Cytogenetic location: 15q21.3.
Variant type: single nucleotide variant.
Coding change: c.959G>T on transcript NM_000236.3 (MANE Select); coding-DNA position 959, G replaced by T.
Protein change: p.Arg320Leu; replaces arginine 320 with leucine.
Molecular consequence: missense variant.
Genome position (GRCh38, 1-based): chr15:58,548,480, G>T. VCF-style: chr15-58548480-G-T. GRCh37 (hg19) VCF-style: chr15-58840679-G-T.
Other names: short protein forms R320L.
Identifiers: ClinVar variation 2895207 (VCV002895207.3), dbSNP rs372172193, ClinGen allele CA7585056.

ClinVar aggregate classification (germline): Uncertain significance (1 of 4 stars; one submission).

Allele frequency attached by ClinVar (database versions not stated): gnomAD 0.00002; ExAC 0.00004; ESP Exome Variant Server 0.00008.
gnomAD v4.1: 58 of 1,610,670 alleles (0.0036%); highest among the groups gnomAD compares: Admixed American, 0.0084%; no homozygotes.

Submission:

Labcorp Genetics (formerly Invitae), Labcorp
Classification: Uncertain significance. Last evaluated: 2024-10-15. Review status: criteria provided, single submitter. Criteria: Invitae Variant Classification Sherloc (09022015). Collection method: clinical testing. Allele origin: germline.
Comment: This sequence change replaces arginine, which is basic and polar, with leucine, which is neutral and non-polar, at codon 320 of the LIPC protein (p.Arg320Leu). This variant is present in population databases (rs372172193, gnomAD 0.006%). This missense change has been observed in individual(s) with dyslipidemia (PMID: 36325899). Invitae Evidence Modeling of protein sequence and biophysical properties (such as structural, functional, and spatial information, amino acid conservation, physicochemical variation, residue mobility, and thermodynamic stability) has been performed for this missense variant. However, the output from this modeling did not meet the statistical confidence thresholds required to predict the impact of this variant on LIPC protein function. In summary, the available evidence is currently insufficient to determine the role of this variant in disease. Therefore, it has been classified as a Variant of Uncertain Significance.

Literature cited by the submitters: PubMed 36325899.